The following is an entry in ClinVar:

ClinVar aggregate classification (germline): Likely benign (1 of 4 stars; one submission).

Conditions:
AMH-related disorder. Also called: AMH-related condition.

gnomAD v4.1: 5 of 1,606,018 alleles (0.00031%); highest among the groups gnomAD compares: East Asian, 0.0045%; no homozygotes.

Submission:

PreventionGenetics, part of Exact Sciences
Classification: Likely benign for AMH-related condition. Last evaluated: 2026-05-29. Review status: criteria provided, single submitter. Criteria: ACMG Guidelines, 2015. Collection method: clinical testing. Allele origin: germline.
Comment: This variant is classified as likely benign based on ACMG/AMP sequence variant interpretation guidelines (Richards et al. 2015 PMID: 25741868, with internal and published modifications).

NM_000479.5(AMH):c.177G>A (p.Leu59=)

Gene: AMH (anti-Mullerian hormone; plus strand). Cytogenetic location: 19p13.3.
Variant type: single nucleotide variant.
Coding change: c.177G>A on transcript NM_000479.5 (MANE Select); coding-DNA position 177, G replaced by A.
Protein change: p.Leu59=; no amino-acid change (leucine 59 retained).
Molecular consequence: synonymous variant.
Genome position (GRCh38, 1-based): chr19:2,249,509, G>A. VCF-style: chr19-2249509-G-A. GRCh37 (hg19) VCF-style: chr19-2249508-G-A.
Identifiers: ClinVar variation 4989167 (VCV004989167.1).